The following is an entry in ClinVar:

NM_004168.4(SDHA):c.633T>G (p.Tyr211Ter)

Gene: SDHA (succinate dehydrogenase complex flavoprotein subunit A; plus strand). Cytogenetic location: 5p15.33.
Variant type: single nucleotide variant.
Coding change: c.633T>G on transcript NM_004168.4 (MANE Select); coding-DNA position 633, T replaced by G.
Protein change: p.Tyr211Ter; replaces tyrosine 211 with a stop codon.
Molecular consequence: nonsense.
Genome position (GRCh38, 1-based): chr5:228,196, T>G. VCF-style: chr5-228196-T-G. GRCh37 (hg19) VCF-style: chr5-228311-T-G.
Other names: c.489T>G, p.Tyr163Ter (NM_001294332.2); c.633T>G, p.Tyr211Ter (NM_001330758.2); short protein forms Y163*, Y211*.
Identifiers: ClinVar variation 1453363 (VCV001453363.8), dbSNP rs1307665893, ClinGen allele CA359010802.

ClinVar aggregate classification (germline): Pathogenic. Review status: criteria provided, multiple submitters, no conflicts (2 of 4 stars). 2 submissions from 2 submitters: Pathogenic (2). Last evaluated 2022-06-08.

Conditions:
Hereditary cancer-predisposing syndrome. Also called: Neoplastic Syndromes, Hereditary; Hereditary Cancer Syndrome; Hereditary neoplastic syndrome; Tumor predisposition. Identifiers: Orphanet 140162, MedGen C0027672, MeSH D009386, MONDO:0015356.
Mitochondrial complex II deficiency, nuclear type 1. Also called: SUCCINATE CoQ REDUCTASE DEFICIENCY. Identifiers: Orphanet 3208, MedGen C5700310, MONDO:0100294, OMIM 252011.
Pheochromocytoma/paraganglioma syndrome 5. Also called: Paragangliomas 5; SDHA-Related Hereditary Paraganglioma-Pheochromocytoma Syndrome. Identifiers: Orphanet 29072, MedGen C3279992, MONDO:0013602, OMIM 614165.

Submissions (2):

Labcorp Genetics (formerly Invitae), Labcorp
Classification: Pathogenic for Pheochromocytoma/paraganglioma syndrome 5; Mitochondrial complex II deficiency, nuclear type 1. Last evaluated: 2022-06-08. Review status: criteria provided, single submitter. Criteria: Invitae Variant Classification Sherloc (09022015). Collection method: clinical testing. Allele origin: germline.
Comment: For these reasons, this variant has been classified as Pathogenic. Algorithms developed to predict the effect of sequence changes on RNA splicing suggest that this variant may create or strengthen a splice site. This variant has not been reported in the literature in individuals affected with SDHA-related conditions. This variant is not present in population databases (gnomAD no frequency). This sequence change creates a premature translational stop signal (p.Tyr211*) in the SDHA gene. It is expected to result in an absent or disrupted protein product. Loss-of-function variants in SDHA are known to be pathogenic (PMID: 22974104, 24781757).

Ambry Genetics
Classification: Pathogenic for Hereditary cancer-predisposing syndrome. Last evaluated: 2021-06-04. Review status: criteria provided, single submitter. Criteria: Ambry Variant Classification Scheme 2023. Collection method: clinical testing. Allele origin: germline.
Comment: The p.Y211* pathogenic mutation (also known as c.633T>G), located in coding exon 6 of the SDHA gene, results from a T to G substitution at nucleotide position 633. This changes the amino acid from a tyrosine to a stop codon within coding exon 6. This alteration is expected to result in loss of function by premature protein truncation or nonsense-mediated mRNA decay. As such, this alteration is interpreted as a disease-causing mutation.

Literature cited by the submitters: PubMed 22974104 (cited by Labcorp Genetics (formerly Invitae), Labcorp); PubMed 24781757 (cited by Labcorp Genetics (formerly Invitae), Labcorp).